The following is an entry in ClinVar:

NM_001035.3(RYR2):c.6780G>A (p.Pro2260=)

Gene: RYR2 (ryanodine receptor 2; plus strand). Cytogenetic location: 1q43.
Variant type: single nucleotide variant.
Coding change: c.6780G>A on transcript NM_001035.3 (MANE Select); coding-DNA position 6780, G replaced by A.
Protein change: p.Pro2260=; no amino-acid change (proline 2260 retained).
Molecular consequence: synonymous variant.
Genome position (GRCh38, 1-based): chr1:237,634,980, G>A. VCF-style: chr1-237634980-G-A. GRCh37 (hg19) VCF-style: chr1-237798280-G-A.
Other names: c.6780G>A, p.Pro2260= (LRG_402t1).
Identifiers: ClinVar variation 519372 (VCV000519372.19), dbSNP rs758855412, ClinGen allele CA075201.

ClinVar aggregate classification (germline): Likely benign. Review status: criteria provided, multiple submitters, no conflicts (2 of 4 stars). 5 submissions from 5 submitters: Likely benign (5). Last evaluated 2026-08-01.

Conditions:
Cardiovascular phenotype. Identifiers: MedGen CN230736.
Catecholaminergic polymorphic ventricular tachycardia 1. Also called: VENTRICULAR TACHYCARDIA, STRESS-INDUCED POLYMORPHIC 1; RYR2-Related Catecholaminergic Polymorphic Ventricular Tachycardia; VENTRICULAR TACHYCARDIA, CATECHOLAMINERGIC POLYMORPHIC, 1, WITH OR WITHOUT ATRIAL DYSFUNCTION AND/OR DILATED CARDIOMYOPATHY. Identifiers: Orphanet 3286, MedGen C1631597, MONDO:0011484, OMIM 604772.
Catecholaminergic polymorphic ventricular tachycardia (CVPT). Also called: Catecholamine-induced polymorphic ventricular tachycardia. Identifiers: Orphanet 3286, MedGen C5574922, MONDO:0017990.
Cardiomyopathy (CMYO). Also called: Cardiomyopathies. Identifiers: Orphanet 167848, MedGen C0878544, MONDO:0004994, HP:0001638. Inheritance: Various modes of inheritance.

Allele frequency attached by ClinVar (database versions not stated): gnomAD 0.00003 and 0.00004; TOPMed 0.00005; ExAC 0.00008.
gnomAD v4.1: 35 of 1,592,550 alleles (0.0022%); highest among the groups gnomAD compares: Middle Eastern, 0.017%; no homozygotes.

Submissions (5):

CeGaT Center for Human Genetics Tuebingen
Classification: Likely benign. Last evaluated: 2026-08-01. Review status: criteria provided, single submitter. Criteria: CeGaT Center For Human Genetics Tuebingen Variant Classification Criteria Version 2. Collection method: clinical testing. Allele origin: germline. Affected: yes. Observed: 1 variant allele.
Comment: RYR2: BP4, BP7

Labcorp Genetics (formerly Invitae), Labcorp
Classification: Likely benign for Catecholaminergic polymorphic ventricular tachycardia 1. Last evaluated: 2025-09-27. Review status: criteria provided, single submitter. Criteria: Invitae Variant Classification Sherloc (09022015). Collection method: clinical testing. Allele origin: germline.

All of Us Research Program, National Institutes of Health
Classification: Likely benign for Catecholaminergic polymorphic ventricular tachycardia. Last evaluated: 2023-12-01. Review status: criteria provided, single submitter. Criteria: ACMG Guidelines, 2015. Collection method: clinical testing. Allele origin: germline. Inheritance: Autosomal dominant inheritance. Observed: 6 variant alleles, 6 heterozygotes.
Comment: This study involves interpretation of variants in research participants for the purpose of population health screening. Participant phenotype was not available at the time of variant classification. Additional details can be found in publication PMID: 35346344, PMCID: PMC8962531

Color Diagnostics, LLC DBA Color Health
Classification: Likely benign for Cardiomyopathy. Last evaluated: 2019-01-25. Review status: criteria provided, single submitter. Criteria: ACMG Guidelines, 2015. Collection method: clinical testing. Allele origin: germline.

Ambry Genetics
Classification: Likely benign for Cardiovascular phenotype. Last evaluated: 2016-12-28. Review status: criteria provided, single submitter. Criteria: Ambry Variant Classification Scheme 2023. Collection method: clinical testing. Allele origin: germline.